The following is an entry in ClinVar:

ClinVar aggregate classification (germline): Uncertain significance. Review status: criteria provided, multiple submitters, no conflicts (2 of 4 stars). 3 submissions from 3 submitters: Uncertain significance (3). Last evaluated 2026-04-01.

Conditions:
Inborn genetic diseases. Identifiers: MedGen C0950123, MeSH D030342.
CHARGE syndrome (CHARGE). Also called: Hittner Hirsch Kreh syndrome; CHARGE ASSOCIATION--COLOBOMA, HEART ANOMALY, CHOANAL ATRESIA, RETARDATION, GENITAL AND EAR ANOMALIES; Coloboma, heart anomaly, choanal atresia, retardation, genital and ear anomalies; CHARGE association; Hall-Hittner syndrome. Identifiers: Orphanet 138, MedGen C0265354, MONDO:0008965.

Allele frequency attached by ClinVar (database versions not stated): gnomAD exomes below 0.00001; gnomAD 0.00001.
gnomAD v4.1: 9 of 1,563,136 alleles (0.00058%); highest among the groups gnomAD compares: South Asian, 0.0012%; no homozygotes.

Submissions (3):

Ambry Genetics
Classification: Uncertain significance for Inborn genetic diseases. Last evaluated: 2026-04-01. Review status: criteria provided, single submitter. Criteria: Ambry Variant Classification Scheme 2023. Collection method: clinical testing. Allele origin: germline.

Labcorp Genetics (formerly Invitae), Labcorp
Classification: Uncertain significance for CHARGE syndrome. Last evaluated: 2025-11-10. Review status: criteria provided, single submitter. Criteria: Invitae Variant Classification Sherloc (09022015). Collection method: clinical testing. Allele origin: germline.
Comment: This sequence change replaces alanine, which is neutral and non-polar, with threonine, which is neutral and polar, at codon 649 of the CHD7 protein (p.Ala649Thr). This variant is not present in population databases (gnomAD no frequency). This variant has not been reported in the literature in individuals affected with CHD7-related conditions. ClinVar contains an entry for this variant (Variation ID: 1411107). Invitae Evidence Modeling of protein sequence and biophysical properties (such as structural, functional, and spatial information, amino acid conservation, physicochemical variation, residue mobility, and thermodynamic stability) indicates that this missense variant is not expected to disrupt CHD7 protein function with a negative predictive value of 80%. In summary, the available evidence is currently insufficient to determine the role of this variant in disease. Therefore, it has been classified as a Variant of Uncertain Significance.

CeGaT Center for Human Genetics Tuebingen
Classification: Uncertain significance. Last evaluated: 2024-07-01. Review status: criteria provided, single submitter. Criteria: CeGaT Center For Human Genetics Tuebingen Variant Classification Criteria Version 2. Collection method: clinical testing. Allele origin: germline. Affected: yes. Observed: 1 variant allele.
Comment: CHD7: PM2, BP4

NM_017780.4(CHD7):c.1945G>A (p.Ala649Thr)

Genes: CHD7 (chromodomain helicase DNA binding protein 7; plus strand), LOC126860403 (CDK7 strongly-dependent group 2 enhancer GRCh37_chr8:61693034-61694233; plus strand). Cytogenetic location: 8q12.2.
Variant type: single nucleotide variant.
Coding change: c.1945G>A on transcript NM_017780.4 (MANE Select); coding-DNA position 1945, G replaced by A.
Protein change: p.Ala649Thr; replaces alanine 649 with threonine.
Molecular consequence: missense variant. On other transcripts: intron variant (1).
Genome position (GRCh38, 1-based): chr8:60,781,279, G>A. VCF-style: chr8-60781279-G-A. GRCh37 (hg19) VCF-style: chr8-61693838-G-A.
Other names: c.1716+229G>A (NM_001316690.1); c.1945G>A (NM_017780.3); short protein forms A649T.
Identifiers: ClinVar variation 1411107 (VCV001411107.25), dbSNP rs1811215623, ClinGen allele CA371313148.